The following is an entry in ClinVar:

ClinVar aggregate classification (germline): Pathogenic (1 of 4 stars; one submission).

Conditions:
Ehlers-Danlos syndrome, classic type, 1 (EDSCL1). Also called: EHLERS-DANLOS SYNDROME, GRAVIS TYPE; EHLERS-DANLOS SYNDROME, SEVERE CLASSIC TYPE; EDS I; Ehlers-Danlos Syndrome, Classic Type, COL5A1-Related; Ehlers-Danlos syndrome, type 1. Identifiers: MedGen C0268335, MONDO:0019567, OMIM 130000.

Submission:

Labcorp Genetics (formerly Invitae), Labcorp
Classification: Pathogenic for Ehlers-Danlos syndrome, classic type, 1. Last evaluated: 2018-04-30. Review status: criteria provided, single submitter. Criteria: Invitae Variant Classification Sherloc (09022015). Collection method: clinical testing. Allele origin: germline.
Comment: For these reasons, this variant has been classified as Pathogenic. Loss-of-function variants in COL5A1 are known to be pathogenic (PMID: 23587214). This variant has not been reported in the literature in individuals with COL5A1-related disease. This variant is not present in population databases (ExAC no frequency). This sequence change creates a premature translational stop signal (p.Gln1428Argfs*60) in the COL5A1 gene. It is expected to result in an absent or disrupted protein product.

Literature cited by the submitters: PubMed 23587214.

NM_000093.5(COL5A1):c.4282del (p.Gln1428fs)

Gene: COL5A1 (collagen type V alpha 1 chain; plus strand). Cytogenetic location: 9q34.3.
Variant type: Deletion.
Coding change: c.4282del on transcript NM_000093.5 (MANE Select); coding-DNA position 4282, one base deleted (C; older notation c.4282delC).
Protein change: p.Gln1428fs; shifts the reading frame from glutamine 1428.
Molecular consequence: frameshift variant.
Genome position (GRCh38, 1-based): chr9:134,818,707, C deleted; the last of 5 consecutive C bases (chr9:134,818,703-134,818,707); deleting any one gives the same sequence. VCF-style (leftmost placement, unchanged base first): chr9-134818702-GC-G. GRCh37 (hg19) VCF-style: chr9-137710548-GC-G.
Other names: c.4282del, p.Gln1428fs (NM_001278074.1); short protein forms Q1428fs.
Identifiers: ClinVar variation 1071412 (VCV001071412.8), dbSNP rs2132864123, ClinGen allele CA2499219765.